The following is an entry in ClinVar:

ClinVar aggregate classification (germline): Uncertain significance. Review status: criteria provided, multiple submitters, no conflicts (2 of 4 stars). 2 submissions from 2 submitters: Uncertain significance (2). Last evaluated 2024-10-23.

Conditions:
Hereditary spastic paraplegia. Also called: Familial spastic paraparesis. Identifiers: Orphanet 685, MedGen C0037773, MONDO:0019064. Disease mechanism: loss of function.
Hereditary spastic paraplegia 50 (SPG50). Also called: Spastic paraplegia 50, autosomal recessive. Identifiers: Orphanet 280763, MedGen C2752008, MONDO:0013048, OMIM 612936.

Allele frequency attached by ClinVar (database versions not stated): gnomAD 0.00001 and 0.00002; gnomAD exomes 0.00006; ESP Exome Variant Server 0.00008; 1000 Genomes Project 30x 0.00016; 1000 Genomes Project 0.00020.

Submissions (2):

Labcorp Genetics (formerly Invitae), Labcorp
Classification: Uncertain significance for Hereditary spastic paraplegia 50. Last evaluated: 2024-10-23. Review status: criteria provided, single submitter. Criteria: Invitae Variant Classification Sherloc (09022015). Collection method: clinical testing. Allele origin: germline.
Comment: This sequence change replaces arginine, which is basic and polar, with tryptophan, which is neutral and slightly polar, at codon 215 of the AP4M1 protein (p.Arg215Trp). This variant is present in population databases (rs146445385, gnomAD 0.04%). This variant has not been reported in the literature in individuals affected with AP4M1-related conditions. ClinVar contains an entry for this variant (Variation ID: 1344116). Invitae Evidence Modeling of protein sequence and biophysical properties (such as structural, functional, and spatial information, amino acid conservation, physicochemical variation, residue mobility, and thermodynamic stability) has been performed for this missense variant. However, the output from this modeling did not meet the statistical confidence thresholds required to predict the impact of this variant on AP4M1 protein function. Algorithms developed to predict the effect of sequence changes on RNA splicing suggest that this variant may disrupt the consensus splice site. In summary, the available evidence is currently insufficient to determine the role of this variant in disease. Therefore, it has been classified as a Variant of Uncertain Significance.

Genome Diagnostics Laboratory, The Hospital for Sick Children
Classification: Uncertain significance for Hereditary spastic paraplegia. Last evaluated: 2018-03-01. Review status: criteria provided, single submitter. Criteria: ACMG Guidelines, 2015. Collection method: clinical testing. Allele origin: germline. Affected: yes.

NM_004722.4(AP4M1):c.643C>T (p.Arg215Trp)

Gene: AP4M1 (adaptor related protein complex 4 subunit mu 1; plus strand). Cytogenetic location: 7q22.1.
Variant type: single nucleotide variant.
Coding change: c.643C>T on transcript NM_004722.4 (MANE Select); coding-DNA position 643, C replaced by T.
Protein change: p.Arg215Trp; replaces arginine 215 with tryptophan.
Molecular consequence: missense variant.
Genome position (GRCh38, 1-based): chr7:100,104,910, C>T. VCF-style: chr7-100104910-C-T. GRCh37 (hg19) VCF-style: chr7-99702533-C-T.
Other names: c.664C>T, p.Arg222Trp (NM_001363671.2); short protein forms R215W, R222W.
Identifiers: ClinVar variation 1344116 (VCV001344116.7), dbSNP rs146445385, ClinGen allele CA4374718.